The following is an entry in ClinVar:

NM_000443.4(ABCB4):c.149A>T (p.Asp50Val)

Gene: ABCB4 (ATP binding cassette subfamily B member 4; minus strand). Cytogenetic location: 7q21.12.
Variant type: single nucleotide variant.
Coding change: c.149A>T on transcript NM_000443.4 (MANE Select); coding-DNA position 149, A replaced by T.
Protein change: p.Asp50Val; replaces aspartic acid 50 with valine.
Molecular consequence: missense variant.
Genome position (GRCh38, 1-based): chr7:87,462,895, T>A on the plus strand (A>T on the coding strand, the complement: ABCB4 is on the minus strand). VCF-style: chr7-87462895-T-A. GRCh37 (hg19) VCF-style: chr7-87092211-T-A.
Other names: c.149A>T, p.Asp50Val (NM_018849.3, NM_018850.3); short protein forms D50V.
Identifiers: ClinVar variation 4846419 (VCV004846419.1).

ClinVar aggregate classification (germline): Uncertain significance (1 of 4 stars; one submission).

Conditions:
Familial intrahepatic cholestasis. Identifiers: Orphanet 284385, MedGen CN296401, MONDO:0017290.

Submission:

Genomenon, Inc
Classification: Uncertain significance for Familial intrahepatic cholestasis. Last evaluated: 2026-04-14. Review status: criteria provided, single submitter. Criteria: Genomenon Sequence Variant Interpretation Standards - Updated. Collection method: curation. Allele origin: germline. Affected: yes.
Comment: ABCB4 p.Asp50Val (c.149A>T) is a missense variant that changes the amino acid at residue 50 from Aspartic acid to Valine. This variant has been observed in at least one proband with an ABCB4-related disorder (PMID:37697751). It is absent or not present at a significant frequency in gnomAD. In silico models predict that this variant is possibly or probably damaging. In conclusion, we classify ABCB4 p.Asp50Val (c.149A>T) as a variant of uncertain significance.

Literature cited by the submitters: PubMed 37697751.